The following is an entry in ClinVar:

ClinVar aggregate classification (germline): Uncertain significance (1 of 4 stars; one submission).

Conditions:
FAM20A-related disorder. Also called: FAM20A-related condition.

gnomAD v4.1: 38 of 1,613,936 alleles (0.0024%); highest among the groups gnomAD compares: South Asian, 0.0044%; no homozygotes.

Submission:

PreventionGenetics, part of Exact Sciences
Classification: Uncertain significance for FAM20A-related condition. Last evaluated: 2026-05-30. Review status: criteria provided, single submitter. Criteria: ACMG Guidelines, 2015. Collection method: clinical testing. Allele origin: germline.
Comment: The FAM20A c.1081C>T variant is predicted to result in the amino acid substitution p.Arg361Cys. This variant has been reported in the compound heterozygous state in an individual with amelogenesis imperfecta (Nitayavardhana et al. 2020. PubMed ID: 32246227). This variant is reported in 0.0040% of alleles in individuals of African descent in gnomAD. At this time, the clinical significance of this variant is uncertain due to the absence of conclusive functional and genetic evidence.

NM_017565.4(FAM20A):c.1081C>T (p.Arg361Cys)

Genes: FAM20A (FAM20A golgi associated secretory pathway pseudokinase; minus strand), PRKAR1A (protein kinase cAMP-dependent type I regulatory subunit alpha; plus strand). Cytogenetic location: 17q24.2.
Variant type: single nucleotide variant.
Coding change: c.1081C>T on transcript NM_017565.4 (MANE Select); coding-DNA position 1081, C replaced by T.
Protein change: p.Arg361Cys; replaces arginine 361 with cysteine.
Molecular consequence: missense variant. On other transcripts: non-coding transcript variant (1), intron variant (1).
Genome position (GRCh38, 1-based): chr17:68,542,013, G>A on the plus strand (C>T on the coding strand, the complement: FAM20A is on the minus strand). VCF-style: chr17-68542013-G-A. GRCh37 (hg19) VCF-style: chr17-66538154-G-A.
Other names: c.667C>T, p.Arg223Cys (NM_001243746.2); c.974-9071G>A (NM_001276290.1); short protein forms R223C, R361C.
Identifiers: ClinVar variation 4996170 (VCV004996170.1).